The following is an entry in ClinVar:

ClinVar aggregate classification (germline): Conflicting classifications of pathogenicity. Review status: criteria provided, conflicting classifications (1 of 4 stars). 6 submissions from 6 submitters: Uncertain significance (4); Likely benign (2). Last evaluated 2026-05-08.

Conditions:
DYNC1H1-related disorder. Also called: DYNC1H1-related condition; DYNC1H1-related disorders. Identifiers: MedGen CN381529.
Cortical dysplasia, complex, with other brain malformations 13. Also called: Intellectual disability, autosomal dominant 13. Identifiers: MedGen C3281202, MONDO:0013805, OMIM 614563.
Inborn genetic diseases. Identifiers: MedGen C0950123, MeSH D030342.
Charcot-Marie-Tooth disease axonal type 2O. Also called: Charcot-Marie-Tooth disease, axonal, type 20; CHARCOT-MARIE-TOOTH NEUROPATHY, AXONAL, TYPE 2O; CHARCOT-MARIE-TOOTH DISEASE, AXONAL, AUTOSOMAL DOMINANT, TYPE 2O; Charcot-Marie-Tooth Neuropathy Type 2O. Identifiers: Orphanet 284232, MedGen C3280220, MONDO:0013644, OMIM 614228.

Allele frequency attached by ClinVar (database versions not stated): gnomAD exomes below 0.00001 and 0.00001; gnomAD 0.00007; TOPMed 0.00013.
gnomAD v4.1: 17 of 1,614,042 alleles (0.0011%); highest among the groups gnomAD compares: Admixed American, 0.023%; no homozygotes.

Submissions (6):

PreventionGenetics, part of Exact Sciences
Classification: Uncertain significance for DYNC1H1-related condition. Last evaluated: 2026-05-08. Review status: criteria provided, single submitter. Criteria: ACMG Guidelines, 2015. Collection method: clinical testing. Allele origin: germline.
Comment: The DYNC1H1 c.3704A>G variant is predicted to result in the amino acid substitution p.Gln1235Arg. To our knowledge, this variant has not been reported in the literature. This variant is reported in 0.0029% of alleles in individuals of Latino descent in gnomAD. At this time, the clinical significance of this variant is uncertain due to the absence of conclusive functional and genetic evidence.

Labcorp Genetics (formerly Invitae), Labcorp
Classification: Likely benign for Charcot-Marie-Tooth disease axonal type 2O. Last evaluated: 2025-12-30. Review status: criteria provided, single submitter. Criteria: Invitae Variant Classification Sherloc (09022015). Collection method: clinical testing. Allele origin: germline.

GeneDx
Classification: Uncertain significance. Last evaluated: 2021-05-12. Review status: criteria provided, single submitter. Criteria: GeneDx Variant Classification Process June 2021. Collection method: clinical testing. Allele origin: germline. Affected: yes.
Comment: Has not been previously published as pathogenic or benign to our knowledge; In silico analysis supports that this missense variant has a deleterious effect on protein structure/function

Ambry Genetics
Classification: Likely benign for Inborn genetic diseases. Last evaluated: 2021-04-03. Review status: criteria provided, single submitter. Criteria: Ambry Variant Classification Scheme 2023. Collection method: clinical testing. Allele origin: germline.

New York Genome Center
Classification: Uncertain significance for Cortical dysplasia, complex, with other brain malformations 13. Last evaluated: 2019-09-17. Review status: criteria provided, single submitter. Criteria: NYGC Assertion Criteria 2020. Collection method: clinical testing. Allele origin: paternal. Inheritance: Autosomal dominant inheritance. Observed: 1 heterozygote. Study: CSER-NYCKidSeq.

Blueprint Genetics
Classification: Uncertain significance. Last evaluated: 2018-12-28. Review status: criteria provided, single submitter. Criteria: ACMG Guidelines, 2015. Collection method: clinical testing. Allele origin: germline.

NM_001376.5(DYNC1H1):c.3704A>G (p.Gln1235Arg)

Gene: DYNC1H1 (dynein cytoplasmic 1 heavy chain 1; plus strand). Cytogenetic location: 14q32.31.
Variant type: single nucleotide variant.
Coding change: c.3704A>G on transcript NM_001376.5 (MANE Select); coding-DNA position 3704, A replaced by G.
Protein change: p.Gln1235Arg; replaces glutamine 1235 with arginine.
Molecular consequence: missense variant.
Genome position (GRCh38, 1-based): chr14:101,997,174, A>G. VCF-style: chr14-101997174-A-G. GRCh37 (hg19) VCF-style: chr14-102463511-A-G.
Other names: short protein forms Q1235R.
Identifiers: ClinVar variation 246027 (VCV000246027.18), dbSNP rs867503066, ClinGen allele CA10584460.
Genomic context (GRCh38, chr14:101,997,174, plus strand): 5'-AGGGAGAGTGGGGAGCCTTCAATGACATCATGCGGCGAAAGGACTCTGCCATTCAGCAGC[A>G]GGTGGCAAACCTGCAAATGAAGATTGTCCAGGAGGATCGGGCCGTGGAAAGCCGCACCAC-3'
Protein context (NP_001367.2, residues 1225-1245): MRRKDSAIQQ[Gln1235Arg]VANLQMKIVQ